The following is an entry in ClinVar:

NM_033056.4(PCDH15):c.5849_5852dup (p.Thr1953fs)

Gene: PCDH15 (protocadherin related 15; minus strand). Cytogenetic location: 10q21.1.
Variant type: Duplication.
Coding change: c.5849_5852dup on transcript NM_033056.4 (MANE Plus Clinical); coding-DNA positions 5849 to 5852, 4 bases duplicated (GTCA; older notation c.5849_5852dupGTCA).
Protein change: p.Thr1953fs; shifts the reading frame from threonine 1953.
Molecular consequence: frameshift variant. On other transcripts: intron variant (8).
Genome position (GRCh38, 1-based): chr10:53,821,874-53,821,877, TGAC duplicated on the plus strand (GTCA on the coding strand, the reverse complement: PCDH15 is on the minus strand); duplicating any 4 consecutive bases within chr10:53,821,874-53,821,879 gives the same sequence; the c. name uses the placement nearest the transcript's 3' end. VCF-style (leftmost placement, unchanged base first): chr10-53821873-T-TTGAC. GRCh37 (hg19) VCF-style: chr10-55581633-T-TTGAC.
Other names: c.5849_5852dupGTCA (NM_033056.3); c.5789_5792dup, p.Thr1933fs (NM_001142768.2); c.5780_5783dup, p.Thr1930fs (NM_001142773.2); c.5783_5786dup, p.Thr1931fs (NM_001354404.2); c.4367+5516_4367+5519dup (NM_001354420.2); c.4368-3864_4368-3861dup (NM_001354429.2); c.4368-1647_4368-1644dup (NM_001384140.1); c.4373+3259_4373+3262dup (NM_001142772.2, NM_001142770.3); and 8 more; short protein forms T1960fs, T1930fs, T1913fs, T1931fs, T1933fs, T1884fs, T1950fs, T1953fs.
Identifiers: ClinVar variation 554530 (VCV000554530.4), dbSNP rs757543551, ClinGen allele CA5504949.

ClinVar aggregate classification (germline): Uncertain significance. Review status: criteria provided, single submitter (1 of 4 stars). 2 submissions from 2 submitters: Uncertain significance (1). 1 of the submissions does not count toward it. Last evaluated 2022-08-16.

Conditions:
Usher syndrome type 1F (USH1F). Also called: USHER SYNDROME, TYPE IF. Identifiers: Orphanet 231169, Orphanet 886, MedGen C1865885, MONDO:0011186, OMIM 602083.

Submissions (2):

Labcorp Genetics (formerly Invitae), Labcorp
Classification: Uncertain significance. Last evaluated: 2022-08-16. Review status: criteria provided, single submitter. Criteria: Invitae Variant Classification Sherloc (09022015). Collection method: clinical testing. Allele origin: germline.
Comment: This sequence change creates a premature translational stop signal (p.Thr1953Ilefs*12) in the PCDH15 gene. While this is not anticipated to result in nonsense mediated decay, it is expected to disrupt the last 3 amino acid(s) of the PCDH15 protein. This variant is present in population databases (rs757543551, gnomAD 0.006%). This variant has not been reported in the literature in individuals affected with PCDH15-related conditions. ClinVar contains an entry for this variant (Variation ID: 554530). In summary, the available evidence is currently insufficient to determine the role of this variant in disease. Therefore, it has been classified as a Variant of Uncertain Significance.

Counsyl
Classification: Uncertain significance for Usher syndrome type 1F. Last evaluated: 2017-10-24. Review status: no assertion criteria provided. Collection method: clinical testing. Allele origin: unknown. Not counted in ClinVar's aggregate classification.